The following is an entry in ClinVar:

NM_182961.4(SYNE1):c.6974A>G (p.Glu2325Gly)

Gene: SYNE1 (spectrin repeat containing nuclear envelope protein 1; minus strand). Cytogenetic location: 6q25.2.
Variant type: single nucleotide variant.
Coding change: c.6974A>G on transcript NM_182961.4 (MANE Select); coding-DNA position 6974, A replaced by G.
Protein change: p.Glu2325Gly; replaces glutamic acid 2325 with glycine.
Molecular consequence: missense variant.
Genome position (GRCh38, 1-based): chr6:152,401,193, T>C on the plus strand (A>G on the coding strand, the complement: SYNE1 is on the minus strand). VCF-style: chr6-152401193-T-C. GRCh37 (hg19) VCF-style: chr6-152722328-T-C.
Other names: c.6995A>G, p.Glu2332Gly (NM_033071.5); c.6995A>G (NM_033071.3); short protein forms E2325G, E2332G.
Identifiers: ClinVar variation 586744 (VCV000586744.9), dbSNP rs777595583, ClinGen allele CA4057954.

ClinVar aggregate classification (germline): Uncertain significance. Review status: criteria provided, multiple submitters, no conflicts (2 of 4 stars). 5 submissions from 5 submitters: Uncertain significance (5). Last evaluated 2022-07-19.

Conditions:
Inborn genetic diseases. Identifiers: MedGen C0950123, MeSH D030342.
Emery-Dreifuss muscular dystrophy 4, autosomal dominant (EDMD4). Also called: EMERY-DREIFUSS MUSCULAR DYSTROPHY 4 WITH VARIABLE FEATURES. Identifiers: Orphanet 261, MedGen C2751807, MONDO:0013071, OMIM 612998.
Autosomal recessive ataxia, Beauce type. Also called: SYNE1-Related Autosomal Recessive Cerebellar Ataxia; Spinocerebellar ataxia, autosomal recessive 8; ATAXIA, RECESSIVE, OF BEAUCE; SYNE1 Deficiency. Identifiers: Orphanet 88644, MedGen C1853116, MONDO:0012549, OMIM 610743.

Allele frequency attached by ClinVar (database versions not stated): gnomAD 0.00001; gnomAD exomes 0.00002; TOPMed 0.00002; ExAC 0.00003.
gnomAD v4.1: 42 of 1,614,064 alleles (0.0026%); highest among the groups gnomAD compares: Middle Eastern, 0.033%; no homozygotes.

Submissions (5):

Labcorp Genetics (formerly Invitae), Labcorp
Classification: Uncertain significance for Emery-Dreifuss muscular dystrophy 4, autosomal dominant; Autosomal recessive ataxia, Beauce type. Last evaluated: 2022-07-19. Review status: criteria provided, single submitter. Criteria: Invitae Variant Classification Sherloc (09022015). Collection method: clinical testing. Allele origin: germline.
Comment: This sequence change replaces glutamic acid, which is acidic and polar, with glycine, which is neutral and non-polar, at codon 2332 of the SYNE1 protein (p.Glu2332Gly). This variant is present in population databases (rs777595583, gnomAD 0.003%). This variant has not been reported in the literature in individuals affected with SYNE1-related conditions. ClinVar contains an entry for this variant (Variation ID: 586744). Algorithms developed to predict the effect of missense changes on protein structure and function are either unavailable or do not agree on the potential impact of this missense change (SIFT: "Deleterious"; PolyPhen-2: "Benign"; Align-GVGD: "Class C15"). In summary, the available evidence is currently insufficient to determine the role of this variant in disease. Therefore, it has been classified as a Variant of Uncertain Significance.

Ambry Genetics
Classification: Uncertain significance for Inborn genetic diseases. Last evaluated: 2021-08-30. Review status: criteria provided, single submitter. Criteria: Ambry Variant Classification Scheme 2023. Collection method: clinical testing. Allele origin: germline.

Revvity Omics, Revvity
Classification: Uncertain significance. Last evaluated: 2019-06-18. Review status: criteria provided, single submitter. Criteria: ACMG Guidelines, 2015. Collection method: clinical testing. Allele origin: germline.

Athena Diagnostics
Classification: Uncertain significance. Last evaluated: 2018-08-22. Review status: criteria provided, single submitter. Criteria: Athena Diagnostics Criteria. Collection method: clinical testing. Allele origin: germline.

Breakthrough Genomics
Classification: Uncertain significance. Review status: criteria provided, single submitter. Criteria: ACMG Guidelines, 2015. Collection method: not provided. Allele origin: germline. Inheritance: Autosomal recessive inheritance. Affected: yes.